The following is an entry in ClinVar:

NM_006393.3(NEBL):c.1993A>C (p.Thr665Pro)

Gene: NEBL (nebulette; minus strand). Cytogenetic location: 10p12.31.
Variant type: single nucleotide variant.
Coding change: c.1993A>C on transcript NM_006393.3 (MANE Select); coding-DNA position 1993, A replaced by C.
Protein change: p.Thr665Pro; replaces threonine 665 with proline.
Molecular consequence: missense variant. On other transcripts: intron variant (9).
Genome position (GRCh38, 1-based): chr10:20,819,486, T>G on the plus strand (A>C on the coding strand, the complement: NEBL is on the minus strand). VCF-style: chr10-20819486-T-G. GRCh37 (hg19) VCF-style: chr10-21108415-T-G.
Other names: c.250-6546A>C (NM_001377326.1, NM_001377327.1, NM_001377328.1); c.358-6546A>C (NM_213569.2, NM_001173484.2, NM_001377322.1); c.301-6546A>C (NM_001377324.1); c.292-6546A>C (NM_001377325.1); c.310-6546A>C (NM_001377323.1); c.1993A>C (NM_006393.2); short protein forms T665P.
Identifiers: ClinVar variation 1036051 (VCV001036051.11), dbSNP rs936216558, ClinGen allele CA204172430.

ClinVar aggregate classification (germline): Uncertain significance. Review status: criteria provided, multiple submitters, no conflicts (2 of 4 stars). 2 submissions from 2 submitters: Uncertain significance (2). Last evaluated 2025-08-31.

Conditions:
Primary dilated cardiomyopathy (DCM). Also called: Dilated Cardiomyopathy. Identifiers: Orphanet 217604, MedGen C0007193, MeSH D002311, MONDO:0005021, HP:0001644. Inheritance: Various modes of inheritance.

Allele frequency attached by ClinVar (database versions not stated): gnomAD exomes below 0.00001 and 0.00004; gnomAD 0.00001; TOPMed 0.00002.
gnomAD v4.1: 54 of 1,613,820 alleles (0.0033%); highest among the groups gnomAD compares: Non-Finnish European, 0.0044%; no homozygotes.

Submissions (2):

Ambry Genetics
Classification: Uncertain significance. Last evaluated: 2025-08-31. Review status: criteria provided, single submitter. Criteria: Ambry Variant Classification Scheme 2023. Collection method: clinical testing. Allele origin: germline.

Labcorp Genetics (formerly Invitae), Labcorp
Classification: Uncertain significance for Primary dilated cardiomyopathy. Last evaluated: 2022-08-09. Review status: criteria provided, single submitter. Criteria: Invitae Variant Classification Sherloc (09022015). Collection method: clinical testing. Allele origin: germline.
Comment: This variant is present in population databases (no rsID available, gnomAD 0.004%). This sequence change replaces threonine, which is neutral and polar, with proline, which is neutral and non-polar, at codon 665 of the NEBL protein (p.Thr665Pro). In summary, the available evidence is currently insufficient to determine the role of this variant in disease. Therefore, it has been classified as a Variant of Uncertain Significance. Algorithms developed to predict the effect of missense changes on protein structure and function are either unavailable or do not agree on the potential impact of this missense change (SIFT: "Tolerated"; PolyPhen-2: "Probably Damaging"; Align-GVGD: "Class C0"). ClinVar contains an entry for this variant (Variation ID: 1036051). This variant has not been reported in the literature in individuals affected with NEBL-related conditions.